The following is an entry in ClinVar:

ClinVar aggregate classification (germline): Uncertain significance (1 of 4 stars; one submission).

Conditions:
Episodic ataxia type 1 (EA1). Also called: ATAXIA, EPISODIC, WITH MYOKYMIA; Episodic ataxia/myokymia syndrome; MYOKYMIA WITH PERIODIC ATAXIA; PAROXYSMAL ATAXIA WITH NEUROMYOTONIA, HEREDITARY. Identifiers: Orphanet 37612, Orphanet 972, MedGen C1719788, MONDO:0008047, OMIM 160120.

Allele frequency attached by ClinVar (database versions not stated): TOPMed 0.00001.
gnomAD v4.1: 1 of 1,614,166 alleles (0.000062%); highest among the groups gnomAD compares: African/African-American, 0.0013%; no homozygotes.

Submission:

Labcorp Genetics (formerly Invitae), Labcorp
Classification: Uncertain significance for Episodic ataxia type 1. Last evaluated: 2024-03-13. Review status: criteria provided, single submitter. Criteria: Invitae Variant Classification Sherloc (09022015). Collection method: clinical testing. Allele origin: germline.
Comment: This sequence change creates a premature translational stop signal (p.Glu79*) in the KCNA1 gene. While this is not anticipated to result in nonsense mediated decay, it is expected to disrupt the last 417 amino acid(s) of the KCNA1 protein. This variant is present in population databases (no rsID available, gnomAD 0.007%). This variant has not been reported in the literature in individuals affected with KCNA1-related conditions. ClinVar contains an entry for this variant (Variation ID: 2125747). Experimental studies and prediction algorithms are not available or were not evaluated, and the functional significance of this variant is currently unknown. In summary, the available evidence is currently insufficient to determine the role of this variant in disease. Therefore, it has been classified as a Variant of Uncertain Significance.

NM_000217.3(KCNA1):c.235G>T (p.Glu79Ter)

Gene: KCNA1 (potassium voltage-gated channel subfamily A member 1; plus strand). Cytogenetic location: 12p13.32.
Variant type: single nucleotide variant.
Coding change: c.235G>T on transcript NM_000217.3 (MANE Select); coding-DNA position 235, G replaced by T.
Protein change: p.Glu79Ter; replaces glutamic acid 79 with a stop codon.
Molecular consequence: nonsense.
Genome position (GRCh38, 1-based): chr12:4,911,613, G>T. VCF-style: chr12-4911613-G-T. GRCh37 (hg19) VCF-style: chr12-5020779-G-T.
Other names: short protein forms E79*.
Identifiers: ClinVar variation 2125747 (VCV002125747.4), dbSNP rs998114173, ClinGen allele CA231855452.